The following is an entry in ClinVar:

NM_014634.4(PPM1F):c.134C>T (p.Pro45Leu)

Gene: PPM1F (protein phosphatase, Mg2+/Mn2+ dependent 1F; minus strand). Cytogenetic location: 22q11.22.
Variant type: single nucleotide variant.
Coding change: c.134C>T on transcript NM_014634.4 (MANE Select); coding-DNA position 134, C replaced by T.
Protein change: p.Pro45Leu; replaces proline 45 with leucine.
Molecular consequence: missense variant. On other transcripts: intron variant (1).
Genome position (GRCh38, 1-based): chr22:21,945,915, G>A on the plus strand (C>T on the coding strand, the complement: PPM1F is on the minus strand). VCF-style: chr22-21945915-G-A. GRCh37 (hg19) VCF-style: chr22-22300287-G-A.
Other names: c.-298-6235C>T (NM_001410836.1); short protein forms P45L.
Identifiers: ClinVar variation 3217334 (VCV003217334.3), dbSNP rs754608593, ClinGen allele CA10125205.

ClinVar aggregate classification (germline): Uncertain significance. Review status: criteria provided, multiple submitters, no conflicts (2 of 4 stars). 2 submissions from 2 submitters: Uncertain significance (2). Last evaluated 2024-04-20.

Allele frequency attached by ClinVar (database versions not stated): gnomAD 0.00001; TOPMed 0.00002; ExAC 0.00011.
gnomAD v4.1: 22 of 1,612,890 alleles (0.0014%); highest among the groups gnomAD compares: East Asian, 0.049%; no homozygotes.

Submissions (2):

Labcorp Genetics (formerly Invitae), Labcorp
Classification: Uncertain significance. Last evaluated: 2024-04-20. Review status: criteria provided, single submitter. Criteria: Invitae Variant Classification Sherloc (09022015). Collection method: clinical testing. Allele origin: germline.
Comment: This sequence change replaces proline, which is neutral and non-polar, with leucine, which is neutral and non-polar, at codon 45 of the PPM1F protein (p.Pro45Leu). This variant is present in population databases (rs754608593, gnomAD 0.1%), and has an allele count higher than expected for a pathogenic variant. This variant has not been reported in the literature in individuals affected with PPM1F-related conditions. An algorithm developed to predict the effect of missense changes on protein structure and function (PolyPhen-2) suggests that this variant is likely to be tolerated. In summary, the available evidence is currently insufficient to determine the role of this variant in disease. Therefore, it has been classified as a Variant of Uncertain Significance.

Ambry Genetics
Classification: Uncertain significance. Last evaluated: 2024-01-03. Review status: criteria provided, single submitter. Criteria: Ambry Variant Classification Scheme 2023. Collection method: clinical testing. Allele origin: germline.